The following is an entry in ClinVar:

ClinVar aggregate classification (germline): Uncertain significance (1 of 4 stars; one submission).

Allele frequency attached by ClinVar (database versions not stated): gnomAD exomes below 0.00001; gnomAD 0.00001; TOPMed 0.00001.
gnomAD v4.1: 5 of 1,613,474 alleles (0.00031%); highest among the groups gnomAD compares: Middle Eastern, 0.033%; no homozygotes.

Submission:

Labcorp Genetics (formerly Invitae), Labcorp
Classification: Uncertain significance. Last evaluated: 2022-12-02. Review status: criteria provided, single submitter. Criteria: Invitae Variant Classification Sherloc (09022015). Collection method: clinical testing. Allele origin: germline.
Comment: In summary, the available evidence is currently insufficient to determine the role of this variant in disease. Therefore, it has been classified as a Variant of Uncertain Significance. Algorithms developed to predict the effect of missense changes on protein structure and function are either unavailable or do not agree on the potential impact of this missense change (SIFT: "Deleterious"; PolyPhen-2: "Not Available"; Align-GVGD: "Class C0"). ClinVar contains an entry for this variant (Variation ID: 1513825). This variant has not been reported in the literature in individuals affected with PCLO-related conditions. This variant is not present in population databases (gnomAD no frequency). This sequence change replaces threonine, which is neutral and polar, with isoleucine, which is neutral and non-polar, at codon 3754 of the PCLO protein (p.Thr3754Ile).

NM_033026.6(PCLO):c.11261C>T (p.Thr3754Ile)

Gene: PCLO (piccolo presynaptic cytomatrix protein; minus strand). Cytogenetic location: 7q21.11.
Variant type: single nucleotide variant.
Coding change: c.11261C>T on transcript NM_033026.6 (MANE Select); coding-DNA position 11261, C replaced by T.
Protein change: p.Thr3754Ile; replaces threonine 3754 with isoleucine.
Molecular consequence: missense variant.
Genome position (GRCh38, 1-based): chr7:82,916,725, G>A on the plus strand (C>T on the coding strand, the complement: PCLO is on the minus strand). VCF-style: chr7-82916725-G-A. GRCh37 (hg19) VCF-style: chr7-82546041-G-A.
Other names: c.11261C>T, p.Thr3754Ile (NM_014510.3); short protein forms T3754I.
Identifiers: ClinVar variation 1513825 (VCV001513825.7), dbSNP rs1794476138, ClinGen allele CA367894429.